The following is an entry in ClinVar:

ClinVar aggregate classification (germline): Uncertain significance (1 of 4 stars; one submission).

Conditions:
Wilson disease (WND). Also called: Wilson's disease. Identifiers: Orphanet 905, MedGen C0019202, MONDO:0010200, OMIM 277900. Disease mechanism: loss of function.

Submission:

Dr. Moinak Lab, Sanjay Gandhi Postgraduate Institute of Medical Sciences
Classification: Uncertain significance for Wilson disease. Last evaluated: 2024-04-25. Review status: criteria provided, single submitter. Criteria: ACMG Guidelines, 2015. Collection method: clinical testing. Allele origin: germline. Inheritance: Autosomal recessive inheritance. Affected: yes.
Comment: ATP7B: c.2944G>C is a novel variant involving a single nucleotide substitution from G to C in exon 13. This results in a non-synonymous change at codon 982, replacing the amino acid Alanine with Proline (p.Ala982Pro)

Literature cited by the submitters: PubMed 20301685.

NM_000053.4(ATP7B):c.2944G>C (p.Ala982Pro)

Gene: ATP7B (ATPase copper transporting beta; minus strand). Cytogenetic location: 13q14.3.
Variant type: single nucleotide variant.
Coding change: c.2944G>C on transcript NM_000053.4 (MANE Select); coding-DNA position 2944, G replaced by C.
Protein change: p.Ala982Pro; replaces alanine 982 with proline.
Molecular consequence: missense variant. On other transcripts: intron variant (6).
Genome position (GRCh38, 1-based): chr13:51,946,400, C>G on the plus strand (G>C on the coding strand, the complement: ATP7B is on the minus strand). VCF-style: chr13-51946400-C-G. GRCh37 (hg19) VCF-style: chr13-52520536-C-G.
Other names: c.2710G>C, p.Ala904Pro (NM_001406528.1, NM_001406538.1, NM_001330578.2 and 1 more transcripts); c.2704G>C, p.Ala902Pro (NM_001406530.1); c.2692G>C, p.Ala898Pro (NM_001406531.1, NM_001406532.1, NM_001330579.2); c.2656G>C, p.Ala886Pro (NM_001406534.1); c.2614G>C, p.Ala872Pro (NM_001406536.1); c.2515G>C, p.Ala839Pro (NM_001406539.1); c.2458G>C, p.Ala820Pro (NM_001406541.1, NM_001406542.1); c.2323G>C, p.Ala775Pro (NM_001005918.3); and 18 more; short protein forms A552P, A766P, A775P, A788P, A820P, A839P, A866P, A871P.
Identifiers: ClinVar variation 4528911 (VCV004528911.1).
Genomic context (GRCh38, chr13:51,946,400, plus strand): 5'-CCACCCCGGTGCCCACCATGACAGCCGTGGGCGTGGCCAGCCCCAGGGAGCAGGGGCAGG[C>G]AATGCACAGCACCGTGATGGACGTCTGGAAAGCAAACCGGATGATCACCTCTGTCTGGGA-3'
Protein context (NP_000044.2, residues 972-992): FQTSITVLCI[Ala982Pro]CPCSLGLATP